The following is an entry in ClinVar:

ClinVar aggregate classification (germline): Uncertain significance (1 of 4 stars; one submission).

Submission:

Labcorp Genetics (formerly Invitae), Labcorp
Classification: Uncertain significance. Last evaluated: 2024-05-26. Review status: criteria provided, single submitter. Criteria: Invitae Variant Classification Sherloc (09022015). Collection method: clinical testing. Allele origin: germline.
Comment: This sequence change replaces aspartic acid, which is acidic and polar, with histidine, which is basic and polar, at codon 183 of the GRIN2D protein (p.Asp183His). This variant is not present in population databases (gnomAD no frequency). This variant has not been reported in the literature in individuals affected with GRIN2D-related conditions. Advanced modeling of protein sequence and biophysical properties (such as structural, functional, and spatial information, amino acid conservation, physicochemical variation, residue mobility, and thermodynamic stability) performed at Invitae indicates that this missense variant is not expected to disrupt GRIN2D protein function with a negative predictive value of 80%. In summary, the available evidence is currently insufficient to determine the role of this variant in disease. Therefore, it has been classified as a Variant of Uncertain Significance.

NM_000836.4(GRIN2D):c.547G>C (p.Asp183His)

Gene: GRIN2D (glutamate ionotropic receptor NMDA type subunit 2D; plus strand). Cytogenetic location: 19q13.33.
Variant type: single nucleotide variant.
Coding change: c.547G>C on transcript NM_000836.4 (MANE Select); coding-DNA position 547, G replaced by C.
Protein change: p.Asp183His; replaces aspartic acid 183 with histidine.
Molecular consequence: missense variant.
Genome position (GRCh38, 1-based): chr19:48,404,815, G>C. VCF-style: chr19-48404815-G-C. GRCh37 (hg19) VCF-style: chr19-48908072-G-C.
Other names: short protein forms D183H.
Identifiers: ClinVar variation 3692238 (VCV003692238.2).